The following is an entry in ClinVar:

NM_000180.4(GUCY2D):c.934A>C (p.Thr312Pro)

Gene: GUCY2D (guanylate cyclase 2D, retinal; plus strand). Cytogenetic location: 17p13.1.
Variant type: single nucleotide variant.
Coding change: c.934A>C on transcript NM_000180.4 (MANE Select); coding-DNA position 934, A replaced by C.
Protein change: p.Thr312Pro; replaces threonine 312 with proline.
Molecular consequence: missense variant.
Genome position (GRCh38, 1-based): chr17:8,004,064, A>C. VCF-style: chr17-8004064-A-C. GRCh37 (hg19) VCF-style: chr17-7907382-A-C.
Other names: c.934A>C (NM_000180.3); short protein forms T312P.
Identifiers: ClinVar variation 3907010 (VCV003907010.3).
Genomic context (GRCh38, chr17:8,004,064, plus strand): 5'-TTGGCCGCACTCGCCAACAGCTCCCAGCTTCGCAGGGCCCACGATGCCGTGCTCACCCTC[A>C]CGCGCCACTGTCCCTCTGAAGGCAGCGTGCTGGACAGCCTGCGCAGGGCTCAAGAGCGCC-3'
Protein context (NP_000171.1, residues 302-322): RRAHDAVLTL[Thr312Pro]RHCPSEGSVL

ClinVar aggregate classification (germline): Conflicting classifications of pathogenicity. Review status: criteria provided, conflicting classifications (1 of 4 stars). 3 submissions from 3 submitters: Likely pathogenic (1); Uncertain significance (2). Last evaluated 2025-12-16.

Conditions:
GUCY2D-related disorder. Also called: GUCY2D-related condition.
GUCY2D-related disorders.

Submissions (3):

PreventionGenetics, part of Exact Sciences
Classification: Uncertain significance for GUCY2D-related condition. Last evaluated: 2025-12-16. Review status: criteria provided, single submitter. Criteria: ACMG Guidelines, 2015. Collection method: clinical testing. Allele origin: germline.
Comment: The GUCY2D c.934A>C variant is predicted to result in the amino acid substitution p.Thr312Pro. This variant has been reported in an individual with Leber congenital amaurosis (Stone et al. 2007. PubMed ID: 17964524); however, the zygosity and presence of other variants was not specified. This variant is reported in 0.00089% of alleles in individuals of European (Non-Finnish) descent in gnomAD. At this time, the clinical significance of this variant is uncertain due to the absence of conclusive functional and genetic evidence.

Women's Health and Genetics/Laboratory Corporation of America, LabCorp
Classification: Uncertain significance. Last evaluated: 2025-06-19. Review status: criteria provided, single submitter. Criteria: LabCorp Variant Classification Summary - May 2015. Collection method: clinical testing. Allele origin: germline.
Comment: Variant summary: GUCY2D c.934A>C (p.Thr312Pro) results in a non-conservative amino acid change in the encoded protein sequence. Algorithms developed to predict the effect of missense changes on protein structure and function all suggest that this variant is likely to be disruptive. The variant allele was found at a frequency of 4.1e-06 in 244482 control chromosomes. The available data on variant occurrences in the general population are insufficient to allow any conclusion about variant significance. c.934A>C has been observed in individual(s) affected with Leber Congenital Amaurosis (Stone_2007). These report(s) do not provide unequivocal conclusions about association of the variant with Leber Congenital Amaurosis. To our knowledge, no experimental evidence demonstrating an impact on protein function has been reported. The following publication have been ascertained in the context of this evaluation (PMID: 17964524). No submitters have cited clinical-significance assessments for this variant to ClinVar. Based on the evidence outlined above, the variant was classified as uncertain significance.

Blueprint Genetics
Classification: Likely pathogenic for GUCY2D-related disorders. Last evaluated: 2024-03-01. Review status: criteria provided, single submitter. Criteria: ACMG Guidelines, 2015. Collection method: clinical testing. Allele origin: germline. Affected: yes. Observed: 3 variant alleles.

Literature cited by the submitters: PubMed 17964524 (cited by Women's Health and Genetics/Laboratory Corporation of America, LabCorp).